The following is an entry in ClinVar:

ClinVar aggregate classification (germline): Conflicting classifications of pathogenicity. Review status: criteria provided, conflicting classifications (1 of 4 stars). 3 submissions from 3 submitters: Uncertain significance (2); Likely benign (1). Last evaluated 2024-06-11.

Conditions:
Inborn genetic diseases. Identifiers: MedGen C0950123, MeSH D030342.
Donnai-Barrow syndrome. Also called: DBS/FOAR SYNDROME; FACIOOCULOACOUSTICORENAL SYNDROME. Identifiers: Orphanet 2143, MedGen C1857277, MONDO:0009104, OMIM 222448.

Allele frequency attached by ClinVar (database versions not stated): TOPMed below 0.00001; gnomAD 0.00001; ExAC 0.00003; gnomAD exomes 0.00003; 1000 Genomes Project 30x 0.00016; 1000 Genomes Project 0.00020.
gnomAD v4.1: 45 of 1,614,054 alleles (0.0028%); highest among the groups gnomAD compares: South Asian, 0.035%; no homozygotes.

Submissions (3):

Fulgent Genetics
Classification: Uncertain significance for Donnai-Barrow syndrome. Last evaluated: 2024-06-11. Review status: criteria provided, single submitter. Criteria: ACMG Guidelines, 2015. Collection method: clinical testing. Allele origin: germline.

Labcorp Genetics (formerly Invitae), Labcorp
Classification: Uncertain significance. Last evaluated: 2022-07-10. Review status: criteria provided, single submitter. Criteria: Invitae Variant Classification Sherloc (09022015). Collection method: clinical testing. Allele origin: germline.
Comment: This sequence change replaces alanine, which is neutral and non-polar, with valine, which is neutral and non-polar, at codon 4611 of the LRP2 protein (p.Ala4611Val). This variant is present in population databases (rs529198764, gnomAD 0.03%). This variant has not been reported in the literature in individuals affected with LRP2-related conditions. Advanced modeling of protein sequence and biophysical properties (such as structural, functional, and spatial information, amino acid conservation, physicochemical variation, residue mobility, and thermodynamic stability) performed at Invitae indicates that this missense variant is not expected to disrupt LRP2 protein function. In summary, the available evidence is currently insufficient to determine the role of this variant in disease. Therefore, it has been classified as a Variant of Uncertain Significance.

Ambry Genetics
Classification: Likely benign for Inborn genetic diseases. Last evaluated: 2022-01-07. Review status: criteria provided, single submitter. Criteria: Ambry Variant Classification Scheme 2023. Collection method: clinical testing. Allele origin: germline.

NM_004525.3(LRP2):c.13832C>T (p.Ala4611Val)

Gene: LRP2 (LDL receptor related protein 2; minus strand). Cytogenetic location: 2q31.1.
Variant type: single nucleotide variant.
Coding change: c.13832C>T on transcript NM_004525.3 (MANE Select); coding-DNA position 13832, C replaced by T.
Protein change: p.Ala4611Val; replaces alanine 4611 with valine.
Molecular consequence: missense variant.
Genome position (GRCh38, 1-based): chr2:169,128,799, G>A on the plus strand (C>T on the coding strand, the complement: LRP2 is on the minus strand). VCF-style: chr2-169128799-G-A. GRCh37 (hg19) VCF-style: chr2-169985309-G-A.
Other names: short protein forms A4611V.
Identifiers: ClinVar variation 1927427 (VCV001927427.4), dbSNP rs529198764, ClinGen allele CA1952402.